The following is an entry in ClinVar:

NM_000169.3(GLA):c.124A>G (p.Met42Val)

Genes: GLA (galactosidase alpha; minus strand), RPL36A-HNRNPH2 (RPL36A-HNRNPH2 readthrough; plus strand). Cytogenetic location: Xq22.1.
Variant type: single nucleotide variant.
Coding change: c.124A>G on transcript NM_000169.3 (MANE Select); coding-DNA position 124, A replaced by G.
Protein change: p.Met42Val; replaces methionine 42 with valine.
Molecular consequence: missense variant. On other transcripts: non-coding transcript variant (3), intron variant (2).
Genome position (GRCh38, 1-based): chrX:101,407,780, T>C on the plus strand (A>G on the coding strand, the complement: GLA is on the minus strand). VCF-style: chrX-101407780-T-C. GRCh37 (hg19) VCF-style: chrX-100662768-T-C.
Other names: c.124A>G, p.Met42Val (NM_001406747.1, NM_001406748.1, NM_001406749.1); c.301-4156T>C (NM_001199973.2); c.178-4156T>C (NM_001199974.2); short protein forms M42V.
Identifiers: ClinVar variation 222174 (VCV000222174.21), dbSNP rs797044613, ClinGen allele CA352279.

ClinVar aggregate classification (germline): Pathogenic. Review status: criteria provided, multiple submitters, no conflicts (2 of 4 stars). 5 submissions from 5 submitters: Pathogenic (4). 1 of the submissions does not count toward it. Last evaluated 2026-09-08.

Conditions:
Fabry disease. Also called: GLA DEFICIENCY; HEREDITARY DYSTOPIC LIPIDOSIS; Fabry's disease; Angiokeratoma corporis diffusum; Ceramide trihexosidosis; ALPHA-GALACTOSIDASE A DEFICIENCY. Identifiers: Orphanet 324, MedGen C0002986, MONDO:0010526, OMIM 301500, HP:0001071. Disease mechanism: loss of function, Fabry disease is due to inactivating mutations in the X-linked GLA gene resulting in deficiency of the enzyme Alpha Galactosidase-A..
GLA-related disorder. Also called: GLA-related condition.

Submissions (5):

Genomenon, Inc
Classification: Pathogenic for Fabry disease. Last evaluated: 2026-09-08. Review status: criteria provided, single submitter. Criteria: Genomenon Sequence Variant Interpretation Standards - Updated. Collection method: curation. Allele origin: germline. Affected: yes.
Comment: GLA p.Met42Val (c.124A>G) is a missense variant that changes the amino acid at codon 42 from Methionine to Valine. This variant has been observed in multiple probands with clinical features consistent with Fabry disease (PMID:18437007;8875188;26880903;20367968;18205205;36816376;18560446;30038331). A de novo occurrence of this variant has been observed in at least one affected individual (PMID:18437007). At least one functional study has demonstrated a substantial alteration in protein function relative to the wild-type (PMID:32023956;18205205;27657681). This variant is located in a mutational hotspot and/or important functional domain. It is absent or not present at a significant frequency in gnomAD. In silico models predict that this variant is possibly or probably damaging. In conclusion, we classify GLA p.Met42Val (c.124A>G) as a pathogenic variant.

Labcorp Genetics (formerly Invitae), Labcorp
Classification: Pathogenic for Fabry disease. Last evaluated: 2024-07-06. Review status: criteria provided, single submitter. Criteria: Invitae Variant Classification Sherloc (09022015). Collection method: clinical testing. Allele origin: germline.
Comment: This sequence change replaces methionine, which is neutral and non-polar, with valine, which is neutral and non-polar, at codon 42 of the GLA protein (p.Met42Val). This variant is not present in population databases (gnomAD no frequency). This missense change has been observed in individuals with Fabry disease (PMID: 8875188, 18205205, 19287194). ClinVar contains an entry for this variant (Variation ID: 222174). Advanced modeling of protein sequence and biophysical properties (such as structural, functional, and spatial information, amino acid conservation, physicochemical variation, residue mobility, and thermodynamic stability) performed at Invitae indicates that this missense variant is expected to disrupt GLA protein function with a positive predictive value of 80%. Experimental studies have shown that this missense change affects GLA function (PMID: 19287194, 23935525). This variant disrupts the p.Met43 amino acid residue in GLA. Other variant(s) that disrupt this residue have been determined to be pathogenic (PMID: 15492942, 15712228, 27657681). This suggests that this residue is clinically significant, and that variants that disrupt this residue are likely to be disease-causing. For these reasons, this variant has been classified as Pathogenic.

Genome-Nilou Lab
Classification: Pathogenic for Fabry disease. Last evaluated: 2021-07-15. Review status: criteria provided, single submitter. Criteria: ACMG Guidelines, 2015. Collection method: clinical testing. Allele origin: germline. Affected: no.

Eurofins Ntd Llc (ga)
Classification: Pathogenic. Last evaluated: 2018-03-23. Review status: criteria provided, single submitter. Criteria: EGL ClinVar v180209 classification definitions. Collection method: clinical testing. Allele origin: germline. Observed: 2 variant alleles, 2 heterozygotes.

PreventionGenetics, part of Exact Sciences
Classification: Pathogenic for GLA-related condition. Last evaluated: 2024-01-12. Review status: no assertion criteria provided. Collection method: clinical testing. Allele origin: germline. Not counted in ClinVar's aggregate classification.
Comment: The GLA c.124A>G variant is predicted to result in the amino acid substitution p.Met42Val. This variant was reported in individuals with Fabry disease (Davies et al. 1996. PubMed ID: 8875188; Shimotori et al. 2008. PubMed ID: 18205205; Park et al. 2009. PubMed ID: 19287194) and in high-risk screening for Fabry disease (Yoshida et al. 2020. PubMed ID: 32843101). This variant has not been reported in a large population database, indicating this variant is rare. In vitro experimental studies suggest this variant impacts protein function (Lukas et al. 2013. PubMed ID: 23935525; Park et al. 2009. PubMed ID: 19287194; Shimotori et al. 2008. PubMed ID: 18205205). Alternate nucleotide changes affecting the same amino acid (p.Met42Leu; p.Met42Thr; p.Met42Arg; p.Met42Ile), have been reported in individuals with Fabry disease (Rosenthal et al. 2004. PubMed ID: 15492942; Shabbeer et al. 2002. PubMed ID: 12175777; Riera et al. 2015. PubMed ID: 25382311; Pan et al. 2016. PubMed ID: 27560961). This variant is interpreted as pathogenic.

Literature cited by the submitters: PubMed 18437007 (cited by Genomenon, Inc); PubMed 8875188 (cited by Genomenon, Inc and Labcorp Genetics (formerly Invitae), Labcorp); PubMed 26880903 (cited by Genomenon, Inc); PubMed 20367968 (cited by Genomenon, Inc); PubMed 18205205 (cited by 3 submitters); PubMed 36816376 (cited by Genomenon, Inc); PubMed 18560446 (cited by Genomenon, Inc); PubMed 30038331 (cited by Genomenon, Inc); PubMed 32023956 (cited by Genomenon, Inc); PubMed 27657681 (cited by Genomenon, Inc and Labcorp Genetics (formerly Invitae), Labcorp); PubMed 19287194 (cited by Labcorp Genetics (formerly Invitae), Labcorp and Eurofins Ntd Llc (ga)); PubMed 23935525 (cited by Labcorp Genetics (formerly Invitae), Labcorp and Eurofins Ntd Llc (ga)); PubMed 15492942 (cited by Labcorp Genetics (formerly Invitae), Labcorp); PubMed 15712228 (cited by Labcorp Genetics (formerly Invitae), Labcorp).